The following is an entry in ClinVar:

NM_001042492.3(NF1):c.4091_4092insTT (p.His1366fs)

Gene: NF1 (neurofibromin 1; plus strand). Cytogenetic location: 17q11.2.
Variant type: Insertion.
Coding change: c.4091_4092insTT on transcript NM_001042492.3 (MANE Select); coding-DNA positions 4091 to 4092, TT inserted.
Protein change: p.His1366fs; shifts the reading frame from histidine 1366.
Molecular consequence: frameshift variant.
Genome position: GRCh38 VCF-style: chr17-31249099-G-GTT. GRCh37 (hg19) VCF-style: chr17-29576117-G-GTT.
Other names: c.4091_4092insTT, p.His1366Alafs (NM_000267.4); short protein forms H1366fs.
Identifiers: ClinVar variation 3572035 (VCV003572035.1).

ClinVar aggregate classification (germline): Pathogenic (1 of 4 stars; one submission).

Submission:

Quest Diagnostics Nichols Institute San Juan Capistrano
Classification: Pathogenic. Last evaluated: 2024-10-05. Review status: criteria provided, single submitter. Criteria: Quest Diagnostics criteria. Collection method: clinical testing. Allele origin: unknown.
Comment: The NF1 c.4091_4092insTT (p.His1366Alafs*20) variant alters the translational reading frame of the NF1 mRNA and causes the premature termination of NF1 protein synthesis. This variant has not been reported in individuals with NF1-related conditions in the published literature. However, another variant resulting in a frameshift at the same amino acid position has been classified as pathogenic and seen in an individual with Noonan-Neurofibromatosis syndrome (PMID: 36304179 (2022)). This variant has not been reported in large, multi-ethnic general populations (Genome Aggregation Database). Based on the available information, this variant is classified as pathogenic.